The following is an entry in ClinVar:

ClinVar aggregate classification (germline): Uncertain significance (1 of 4 stars; one submission).

Conditions:
Neuroblastoma, susceptibility to, 3. Also called: ALK-Related Neuroblastic Tumor Susceptibility. Identifiers: Orphanet 635, MedGen C2751681, MONDO:0013083, OMIM 613014.

Allele frequency attached by ClinVar (database versions not stated): gnomAD exomes below 0.00001; gnomAD 0.00001.
gnomAD v4.1: 3 of 1,614,042 alleles (0.00019%); highest among the groups gnomAD compares: Non-Finnish European, 0.00025%; no homozygotes.

Submission:

Labcorp Genetics (formerly Invitae), Labcorp
Classification: Uncertain significance for Neuroblastoma, susceptibility to, 3. Last evaluated: 2023-04-13. Review status: criteria provided, single submitter. Criteria: Invitae Variant Classification Sherloc (09022015). Collection method: clinical testing. Allele origin: germline.
Comment: In summary, the available evidence is currently insufficient to determine the role of this variant in disease. Therefore, it has been classified as a Variant of Uncertain Significance. An algorithm developed to predict the effect of missense changes on protein structure and function (PolyPhen-2) suggests that this variant is likely to be tolerated. ClinVar contains an entry for this variant (Variation ID: 1358110). This variant has not been reported in the literature in individuals affected with ALK-related conditions. This variant is not present in population databases (gnomAD no frequency). This sequence change replaces alanine, which is neutral and non-polar, with proline, which is neutral and non-polar, at codon 1546 of the ALK protein (p.Ala1546Pro).

NM_004304.5(ALK):c.4636G>C (p.Ala1546Pro)

Gene: ALK (ALK receptor tyrosine kinase; minus strand). Cytogenetic location: 2p23.2.
Variant type: single nucleotide variant.
Coding change: c.4636G>C on transcript NM_004304.5 (MANE Select); coding-DNA position 4636, G replaced by C.
Protein change: p.Ala1546Pro; replaces alanine 1546 with proline.
Molecular consequence: missense variant.
Genome position (GRCh38, 1-based): chr2:29,193,451, C>G on the plus strand (G>C on the coding strand, the complement: ALK is on the minus strand). VCF-style: chr2-29193451-C-G. GRCh37 (hg19) VCF-style: chr2-29416317-C-G.
Other names: c.1432G>C, p.Ala478Pro (NM_001353765.2); short protein forms A1546P, A478P.
Identifiers: ClinVar variation 1358110 (VCV001358110.8), dbSNP rs1668930591, ClinGen allele CA346460551.